The following is an entry in ClinVar:

ClinVar aggregate classification (germline): Uncertain significance. Review status: criteria provided, multiple submitters, no conflicts (2 of 4 stars). 2 submissions from 2 submitters: Uncertain significance (2). Last evaluated 2022-07-20.

Conditions:
Combined immunodeficiency due to LRBA deficiency. Also called: Common variable immunodeficiency 8, with autoimmunity. Identifiers: Orphanet 445018, MedGen C3553512, MONDO:0013863, OMIM 614700.

Allele frequency attached by ClinVar (database versions not stated): gnomAD 0.00002; TOPMed 0.00002; ESP Exome Variant Server 0.00008; gnomAD exomes 0.00004; ExAC 0.00005.
gnomAD v4.1: 22 of 1,610,680 alleles (0.0014%); highest among the groups gnomAD compares: Middle Eastern, 0.016%; no homozygotes.

Submissions (2):

Labcorp Genetics (formerly Invitae), Labcorp
Classification: Uncertain significance for Combined immunodeficiency due to LRBA deficiency. Last evaluated: 2022-07-20. Review status: criteria provided, single submitter. Criteria: Invitae Variant Classification Sherloc (09022015). Collection method: clinical testing. Allele origin: germline.
Comment: This sequence change replaces arginine, which is basic and polar, with cysteine, which is neutral and slightly polar, at codon 1812 of the LRBA protein (p.Arg1812Cys). This variant is present in population databases (rs368625168, gnomAD 0.008%). This variant has not been reported in the literature in individuals affected with LRBA-related conditions. ClinVar contains an entry for this variant (Variation ID: 1302519). Algorithms developed to predict the effect of missense changes on protein structure and function are either unavailable or do not agree on the potential impact of this missense change (SIFT: "Deleterious"; PolyPhen-2: "Probably Damaging"; Align-GVGD: "Class C0"). In summary, the available evidence is currently insufficient to determine the role of this variant in disease. Therefore, it has been classified as a Variant of Uncertain Significance.

GeneDx
Classification: Uncertain significance. Last evaluated: 2019-06-30. Review status: criteria provided, single submitter. Criteria: GeneDx Variant Classification Process June 2021. Collection method: clinical testing. Allele origin: germline. Affected: yes.
Comment: In silico analysis, which includes protein predictors and evolutionary conservation, supports a deleterious effect; Has not been previously published as pathogenic or benign to our knowledge

NM_001364905.1(LRBA):c.5434C>T (p.Arg1812Cys)

Gene: LRBA (LPS responsive beige-like anchor protein; minus strand). Cytogenetic location: 4q31.3.
Variant type: single nucleotide variant.
Coding change: c.5434C>T on transcript NM_001364905.1 (MANE Select); coding-DNA position 5434, C replaced by T.
Protein change: p.Arg1812Cys; replaces arginine 1812 with cysteine.
Molecular consequence: missense variant.
Genome position (GRCh38, 1-based): chr4:150,806,355, G>A on the plus strand (C>T on the coding strand, the complement: LRBA is on the minus strand). VCF-style: chr4-150806355-G-A. GRCh37 (hg19) VCF-style: chr4-151727507-G-A.
Other names: c.5434C>T, p.Arg1812Cys (NM_001199282.3, NM_001367550.1, NM_006726.5); short protein forms R1812C.
Identifiers: ClinVar variation 1302519 (VCV001302519.6), dbSNP rs368625168, ClinGen allele CA3102486.
Genomic context (GRCh38, chr4:150,806,355, plus strand): 5'-GTCCATGGCTACCCAAAAGTGTCCGAGAAAGAAAAGGTGCAAAATCCACAAAAATCTCAC[G>A]AAGGAGAGGAGCTGCCTTTTCCAAAGCGTGTTCAAGCCTCTCTGTAATACTAAGGAAAAG-3'
Protein context (NP_001351834.1, residues 1802-1822): HALEKAAPLL[Arg1812Cys]EIFVDFAPFL